The following is an entry in ClinVar:

NM_000454.5(SOD1):c.73-4A>G

Gene: SOD1 (superoxide dismutase 1; plus strand). Cytogenetic location: 21q22.11.
Variant type: single nucleotide variant.
Coding change: c.73-4A>G on transcript NM_000454.5 (MANE Select); 4 bases into the intron before coding-DNA position 73, A replaced by G.
Molecular consequence: intron variant.
Genome position (GRCh38, 1-based): chr21:31,663,786, A>G. VCF-style: chr21-31663786-A-G. GRCh37 (hg19) VCF-style: chr21-33036099-A-G.
Identifiers: ClinVar variation 703977 (VCV000703977.14), dbSNP rs374242306, ClinGen allele CA9998886.

ClinVar aggregate classification (germline): Conflicting classifications of pathogenicity. Review status: criteria provided, conflicting classifications (1 of 4 stars). 3 submissions from 3 submitters: Uncertain significance (1); Likely benign (2). Last evaluated 2026-04-23.

Conditions:
SOD1-related disorder. Also called: SOD1-related condition.
Amyotrophic lateral sclerosis type 1 (ALS1). Also called: AMYOTROPHIC LATERAL SCLEROSIS 1, FAMILIAL. Identifiers: Orphanet 803, MedGen C1862939, MONDO:0007103, OMIM 105400.

Allele frequency attached by ClinVar (database versions not stated): gnomAD exomes 0.00003 and 0.00007; gnomAD 0.00006; TOPMed 0.00006; ExAC 0.00009; ESP Exome Variant Server 0.00023.
gnomAD v4.1: 59 of 1,605,182 alleles (0.0037%); highest among the groups gnomAD compares: Non-Finnish European, 0.0026%; no homozygotes.

Submissions (3):

PreventionGenetics, part of Exact Sciences
Classification: Uncertain significance for SOD1-related condition. Last evaluated: 2026-04-23. Review status: criteria provided, single submitter. Criteria: ACMG Guidelines, 2015. Collection method: clinical testing. Allele origin: germline.
Comment: The SOD1 c.73-4A>G variant is predicted to interfere with splicing. This variant is predicted to alter splicing based on available splicing prediction programs (SpliceAI, Jaganathan et al. 2019. PubMed ID: 30661751). However, the use of computer prediction programs is not equivalent to functional evidence. To our knowledge, this variant has not been reported in the literature. This variant is reported in 0.13% of alleles in individuals of Ashkenazi Jewish descent in gnomAD, which may be too common to be a primary cause of disease. Although we suspect this variant may be benign, at this time, the clinical significance of this variant is uncertain due to the absence of conclusive functional and genetic evidence.

Women's Health and Genetics/Laboratory Corporation of America, LabCorp
Classification: Likely benign. Last evaluated: 2026-04-13. Review status: criteria provided, single submitter. Criteria: LabCorp Variant Classification Summary - May 2015. Collection method: clinical testing. Allele origin: germline.
Comment: Variant summary: SOD1 c.73-4A>G alters a non-conserved nucleotide located at a position not widely known to affect splicing. Consensus agreement among computation tools predict no significant impact on normal splicing. However, these predictions have yet to be confirmed by functional studies. The variant allele was found at a frequency of 7.2e-05 in 251492 control chromosomes. This frequency is not significantly higher than estimated for disease-causing variants in SOD1, allowing no conclusion about variant significance. To our knowledge, no occurrence of c.73-4A>G in individuals affected with SOD1-related conditions and no experimental evidence demonstrating its impact on protein function have been reported. ClinVar contains an entry for this variant (Variation ID: 703977). Based on the evidence outlined above, the variant was classified as likely benign.

Labcorp Genetics (formerly Invitae), Labcorp
Classification: Likely benign for Amyotrophic lateral sclerosis type 1. Last evaluated: 2025-11-21. Review status: criteria provided, single submitter. Criteria: Invitae Variant Classification Sherloc (09022015). Collection method: clinical testing. Allele origin: germline.

Literature cited by the submitters: PubMed 33770234 (cited by Women's Health and Genetics/Laboratory Corporation of America, LabCorp); PubMed 38829431 (cited by Women's Health and Genetics/Laboratory Corporation of America, LabCorp).